The following is an entry in ClinVar:

NM_000540.3(RYR1):c.7327A>G (p.Ile2443Val)

Gene: RYR1 (ryanodine receptor 1; plus strand). Cytogenetic location: 19q13.2.
Variant type: single nucleotide variant.
Coding change: c.7327A>G on transcript NM_000540.3 (MANE Select); coding-DNA position 7327, A replaced by G.
Protein change: p.Ile2443Val; replaces isoleucine 2443 with valine.
Molecular consequence: missense variant.
Genome position (GRCh38, 1-based): chr19:38,500,609, A>G. VCF-style: chr19-38500609-A-G. GRCh37 (hg19) VCF-style: chr19-38991249-A-G.
Other names: c.7327A>G, p.Ile2443Val (NM_001042723.2); short protein forms I2443V.
Identifiers: ClinVar variation 3071083 (VCV003071083.1), dbSNP rs1970064589, ClinGen allele CA405669813.

ClinVar aggregate classification (germline): Uncertain significance (1 of 4 stars; one submission).

Conditions:
Malignant hyperthermia, susceptibility to, 1 (MHS1). Also called: Anesthesia related hyperthermia; Malignant hyperpyrexia; Fulminating hyperpyrexia; Pharmacogenic myopathy; RYR1-Related Malignant Hyperthermia Susceptibility; Malignant hyperthermia suceptibility 1. Identifiers: Orphanet 423, MedGen C2930980, MONDO:0007783, OMIM 145600.

Allele frequency attached by ClinVar (database versions not stated): gnomAD 0.00001.
gnomAD v4.1: 2 of 1,612,528 alleles (0.00012%); highest among the groups gnomAD compares: Admixed American, 0.0017%; no homozygotes.

Submission:

All of Us Research Program, National Institutes of Health
Classification: Uncertain significance for Malignant hyperthermia, susceptibility to, 1. Last evaluated: 2023-11-30. Review status: criteria provided, single submitter. Criteria: ACMG Guidelines, 2015. Collection method: clinical testing. Allele origin: germline. Inheritance: Autosomal dominant inheritance. Observed: 2 variant alleles, 2 heterozygotes.
Comment: This missense variant replaces isoleucine with valine at codon 2443 of the RYR1 protein. Computational prediction is inconclusive regarding the impact of this variant on protein structure and function (internally defined REVEL score threshold 0.5 < inconclusive < 0.7, PMID: 27666373). To our knowledge, functional studies have not been reported for this variant. This variant has not been reported in individuals affected with RYR1-related disorders in the literature. This variant has not been identified in the general population by the Genome Aggregation Database (gnomAD). The available evidence is insufficient to determine the role of this variant in disease conclusively. Therefore, this variant is classified as a Variant of Uncertain Significance.

This study involves interpretation of variants in research participants for the purpose of population health screening. Participant phenotype was not available at the time of variant classification. Additional details can be found in publication PMID: 35346344, PMCID: PMC8962531